The following is an entry in ClinVar:

NM_002979.5(SCP2):c.370A>G (p.Met124Val)

Gene: SCP2 (sterol carrier protein 2; plus strand). Cytogenetic location: 1p32.3.
Variant type: single nucleotide variant.
Coding change: c.370A>G on transcript NM_002979.5 (MANE Select); coding-DNA position 370, A replaced by G.
Protein change: p.Met124Val; replaces methionine 124 with valine.
Molecular consequence: missense variant.
Genome position (GRCh38, 1-based): chr1:52,954,778, A>G. VCF-style: chr1-52954778-A-G. GRCh37 (hg19) VCF-style: chr1-53420450-A-G.
Other names: c.238A>G, p.Met80Val (NM_001007098.3, NM_001193600.2); c.298A>G, p.Met100Val (NM_001193599.2); c.127A>G, p.Met43Val (NM_001193617.2); c.370A>G, p.Met124Val (NM_001330587.2); short protein forms M100V, M124V, M43V, M80V.
Identifiers: ClinVar variation 1717257 (VCV001717257.5), dbSNP rs2524525515, ClinGen allele CA340376498.

ClinVar aggregate classification (germline): Uncertain significance (1 of 4 stars; one submission).

Submission:

Labcorp Genetics (formerly Invitae), Labcorp
Classification: Uncertain significance. Last evaluated: 2022-08-21. Review status: criteria provided, single submitter. Criteria: Invitae Variant Classification Sherloc (09022015). Collection method: clinical testing. Allele origin: germline.
Comment: In summary, the available evidence is currently insufficient to determine the role of this variant in disease. Therefore, it has been classified as a Variant of Uncertain Significance. Algorithms developed to predict the effect of sequence changes on RNA splicing suggest that this variant may disrupt the consensus splice site. Algorithms developed to predict the effect of missense changes on protein structure and function are either unavailable or do not agree on the potential impact of this missense change (SIFT: "Deleterious"; PolyPhen-2: "Benign"; Align-GVGD: "Class C0"). This variant has not been reported in the literature in individuals affected with SCP2-related conditions. This variant is not present in population databases (gnomAD no frequency). This sequence change replaces methionine, which is neutral and non-polar, with valine, which is neutral and non-polar, at codon 124 of the SCP2 protein (p.Met124Val).